The following is an entry in ClinVar:

ClinVar aggregate classification (germline): Uncertain significance (1 of 4 stars; one submission).

gnomAD v4.1: 2 of 1,593,154 alleles (0.00013%); highest among the groups gnomAD compares: Non-Finnish European, 0.00017%; no homozygotes.

Submission:

Ambry Genetics
Classification: Uncertain significance. Last evaluated: 2026-07-26. Review status: criteria provided, single submitter. Criteria: Ambry Variant Classification Scheme 2023. Collection method: clinical testing. Allele origin: germline.
Comment: The p.T6R variant (also known as c.17C>G), located in coding exon 1 of the FAM175A gene, results from a C to G substitution at nucleotide position 17. The threonine at codon 6 is replaced by arginine, an amino acid with similar properties. This amino acid position is conserved. In addition, the in silico prediction for this alteration is inconclusive. Based on the available evidence, the clinical significance of this variant remains unclear.

NM_139076.3(ABRAXAS1):c.17C>G (p.Thr6Arg)

Genes: ABRAXAS1 (abraxas 1, BRCA1 A complex subunit; minus strand), LOC129992784 (ATAC-STARR-seq lymphoblastoid silent region 15542; plus strand). Cytogenetic location: 4q21.23.
Variant type: single nucleotide variant.
Coding change: c.17C>G on transcript NM_139076.3 (MANE Select); coding-DNA position 17, C replaced by G.
Protein change: p.Thr6Arg; replaces threonine 6 with arginine.
Molecular consequence: missense variant. On other transcripts: 5 prime UTR variant (1).
Genome position (GRCh38, 1-based): chr4:83,485,056, G>C on the plus strand (C>G on the coding strand, the complement: ABRAXAS1 is on the minus strand). VCF-style: chr4-83485056-G-C. GRCh37 (hg19) VCF-style: chr4-84406209-G-C.
Other names: c.-244C>G (NM_001345962.2); short protein forms T6R.
Identifiers: ClinVar variation 5028838 (VCV005028838.1).
Genomic context (GRCh38, chr4:83,485,056, plus strand): 5'-TCCGTGTTGAGGTGCTGGAAAGCGAGTGCGCCGAGCACAAAGCCCGAGAGCACCGCCGAC[G>C]TACTCTCCCCCTCCATGCTACCGCCGCCTCAGGCTACACAAGAGGACGAGGGCGGGGCGC-3'
Protein context (NP_620775.2, residues 1-16): MEGES[Thr6Arg]SAVLSGFVLG